The following is an entry in ClinVar:

ClinVar aggregate classification (germline): Pathogenic/Likely pathogenic. Review status: criteria provided, multiple submitters, no conflicts (2 of 4 stars). 3 submissions from 3 submitters: Pathogenic (2); Likely pathogenic (1). Last evaluated 2024-07-30.

Conditions:
CBL-related disorder. Also called: CBL MUTATION-ASSOCIATED SYNDROME; CBL SYNDROME; NOONAN SYNDROME-LIKE DISORDER WITHOUT JUVENILE MYELOMONOCYTIC LEUKEMIA. Identifiers: Orphanet 363972, MedGen C3150803, MONDO:0013308, OMIM 613563.
RASopathy. Also called: Noonan spectrum disorder; rasopathies. Identifiers: Orphanet 536391, MedGen C5555857, MONDO:0021060.

gnomAD v4.1: 1 of 1,602,366 alleles (0.000062%); highest among the groups gnomAD compares: Non-Finnish European, 0.000086%; no homozygotes.

Submissions (3):

3billion
Classification: Pathogenic for CBL-related disorder. Last evaluated: 2024-07-30. Review status: criteria provided, single submitter. Criteria: ACMG Guidelines, 2015. Collection method: clinical testing. Allele origin: germline. Affected: yes.
Comment: The variant is observed at an extremely low frequency in the gnomAD v4.0.0 dataset (total allele frequency: <0.001%). Functional studies provide moderate evidence of the variant having a damaging effect on the gene or gene product (PMID: 20694012, 27609087). In silico tool predictions suggest damaging effect of the variant on gene or gene product [REVEL: 0.97 (>=0.6); 3Cnet: 0.99 (>=0.6)]. The same nucleotide change resulting in the same amino acid change has been previously reported as pathogenic/likely pathogenic with strong evidence (ClinVar ID: VCV002137268). Different missense changes at the same codon (p.Tyr371Asn, p.Tyr371Cys, p.Tyr371His, p.Tyr371Phe, p.Tyr371Ser) have been reported as pathogenic/likely pathogenic with strong evidence (ClinVar ID: VCV000013811, VCV000029824, VCV000180827, VCV000548022, VCV000949693 / PMID: 19571318, 28343148 / 3billion dataset). Therefore, this variant is classified as pathogenic according to the recommendation of ACMG/AMP guideline.

GeneDx
Classification: Pathogenic. Last evaluated: 2023-05-22. Review status: criteria provided, single submitter. Criteria: GeneDx Variant Classification Process June 2021. Collection method: clinical testing. Allele origin: germline. Affected: yes.
Comment: Reported previously in an individual with juvenile myelomonocytic leukemia (JMML) and Noonan-like syndrome in the published literature (Niemeyer et al., 2010); Published functional studies demonstrate that p.(Y371D) results in abnormal protein function (Buetow et al., 2016); Not observed at significant frequency in large population cohorts (gnomAD); This variant is associated with the following publications: (PMID: 25939664, 20619386, 22315494, 20694012, 27609087)

Labcorp Genetics (formerly Invitae), Labcorp
Classification: Likely pathogenic for RASopathy. Last evaluated: 2022-08-21. Review status: criteria provided, single submitter. Criteria: Invitae Variant Classification Sherloc (09022015). Collection method: clinical testing. Allele origin: germline.
Comment: This variant has not been reported in the literature in individuals affected with CBL-related conditions. Advanced modeling of protein sequence and biophysical properties (such as structural, functional, and spatial information, amino acid conservation, physicochemical variation, residue mobility, and thermodynamic stability) performed at Invitae indicates that this missense variant is expected to disrupt CBL protein function. Experimental studies have shown that this missense change affects CBL function (PMID: 27609087). This variant disrupts the p.Tyr371 amino acid residue in CBL. Other variant(s) that disrupt this residue have been determined to be pathogenic (PMID: 20694012, 23696637, 25283271, 25952305). This suggests that this residue is clinically significant, and that variants that disrupt this residue are likely to be disease-causing. In summary, the currently available evidence indicates that the variant is pathogenic, but additional data are needed to prove that conclusively. Therefore, this variant has been classified as Likely Pathogenic. This variant is not present in population databases (gnomAD no frequency). This sequence change replaces tyrosine, which is neutral and polar, with aspartic acid, which is acidic and polar, at codon 371 of the CBL protein (p.Tyr371Asp).

Literature cited by the submitters: PubMed 27609087 (cited by Labcorp Genetics (formerly Invitae), Labcorp); PubMed 20694012 (cited by Labcorp Genetics (formerly Invitae), Labcorp); PubMed 23696637 (cited by Labcorp Genetics (formerly Invitae), Labcorp); PubMed 25283271 (cited by Labcorp Genetics (formerly Invitae), Labcorp); PubMed 25952305 (cited by Labcorp Genetics (formerly Invitae), Labcorp).

NM_005188.4(CBL):c.1111T>G (p.Tyr371Asp)

Gene: CBL (Cbl proto-oncogene; plus strand). Cytogenetic location: 11q23.3.
Variant type: single nucleotide variant.
Coding change: c.1111T>G on transcript NM_005188.4 (MANE Select); coding-DNA position 1111, T replaced by G.
Protein change: p.Tyr371Asp; replaces tyrosine 371 with aspartic acid.
Molecular consequence: missense variant.
Genome position (GRCh38, 1-based): chr11:119,278,181, T>G. VCF-style: chr11-119278181-T-G. GRCh37 (hg19) VCF-style: chr11-119148891-T-G.
Other names: c.1111T>G (NM_005188.2); short protein forms Y371D.
Identifiers: ClinVar variation 2137268 (VCV002137268.7), dbSNP rs267606706, ClinGen allele CA382912301.